The following is an entry in ClinVar:

ClinVar aggregate classification (germline): Uncertain significance (1 of 4 stars; one submission).

Conditions:
Epidermolysis bullosa simplex 5B, with muscular dystrophy (EBS5B). Also called: EPIDERMOLYSIS BULLOSA SIMPLEX AND LIMB-GIRDLE MUSCULAR DYSTROPHY; Epidermolysis bullosa simplex with muscular dystrophy. Identifiers: Orphanet 257, MedGen C2931072, MONDO:0009181, OMIM 226670.
Epidermolysis bullosa simplex with nail dystrophy (EBS5D). Identifiers: MedGen C4225309, MONDO:0014661, OMIM 616487.
Epidermolysis bullosa simplex, Ogna type (EBS5A). Also called: EPIDERMOLYSIS BULLOSA SIMPLEX 5A, OGNA TYPE; Pidermolysis bullosa simplex 5A, Ogna type. Identifiers: Orphanet 79401, MedGen C0432317, MONDO:0007555, OMIM 131950.
Autosomal recessive limb-girdle muscular dystrophy type 2Q (LGMDR17). Also called: MUSCULAR DYSTROPHY, LIMB-GIRDLE, AUTOSOMAL RECESSIVE 17. Identifiers: Orphanet 254361, MedGen C3150989, MONDO:0013390, OMIM 613723.
Epidermolysis bullosa simplex 5C, with pyloric atresia (EBS5C). Also called: Epidermolysis bullosa simplex with pyloric atresia; PLEC-Related Epidermolysis Bullosa with Pyloric Atresia; PLEC1-Related Epidermolysis Bullosa with Pyloric Atresia. Identifiers: Orphanet 158684, MedGen C2677349, MONDO:0012807, OMIM 612138.

Allele frequency attached by ClinVar (database versions not stated): gnomAD exomes 0.00001; gnomAD 0.00002; TOPMed 0.00003.
gnomAD v4.1: 23 of 1,613,708 alleles (0.0014%); highest among the groups gnomAD compares: Middle Eastern, 0.016%; no homozygotes.

Submission:

Labcorp Genetics (formerly Invitae), Labcorp
Classification: Uncertain significance for Autosomal recessive limb-girdle muscular dystrophy type 2Q; Epidermolysis bullosa simplex, Ogna type; Epidermolysis bullosa simplex with nail dystrophy; Epidermolysis bullosa simplex 5C, with pyloric atresia; Epidermolysis bullosa simplex 5B, with muscular dystrophy. Last evaluated: 2025-12-11. Review status: criteria provided, single submitter. Criteria: Invitae Variant Classification Sherloc (09022015). Collection method: clinical testing. Allele origin: germline.
Comment: This sequence change replaces threonine, which is neutral and polar, with methionine, which is neutral and non-polar, at codon 2912 of the PLEC protein (p.Thr2912Met). This variant is present in population databases (no rsID available, gnomAD 0.005%). This variant has not been reported in the literature in individuals affected with PLEC-related conditions. ClinVar contains an entry for this variant (Variation ID: 944133). An algorithm developed to predict the effect of missense changes on protein structure and function (PolyPhen-2) suggests that this variant is likely to be disruptive. In summary, the available evidence is currently insufficient to determine the role of this variant in disease. Therefore, it has been classified as a Variant of Uncertain Significance.

NM_201384.3(PLEC):c.8654C>T (p.Thr2885Met)

Gene: PLEC (plectin; minus strand). Cytogenetic location: 8q24.3.
Variant type: single nucleotide variant.
Coding change: c.8654C>T on transcript NM_201384.3 (MANE Select); coding-DNA position 8654, C replaced by T.
Protein change: p.Thr2885Met; replaces threonine 2885 with methionine.
Molecular consequence: missense variant.
Genome position (GRCh38, 1-based): chr8:143,921,167, G>A on the plus strand (C>T on the coding strand, the complement: PLEC is on the minus strand). VCF-style: chr8-143921167-G-A. GRCh37 (hg19) VCF-style: chr8-144995335-G-A.
Other names: c.8735C>T, p.Thr2912Met (NM_000445.5); c.8612C>T, p.Thr2871Met (NM_201378.4); c.8588C>T, p.Thr2863Met (NM_201379.3); c.9065C>T, p.Thr3022Met (NM_201380.4); c.8558C>T, p.Thr2853Met (NM_201381.3); c.8654C>T, p.Thr2885Met (NM_201382.4); c.8666C>T, p.Thr2889Met (NM_201383.3); short protein forms T2853M, T2871M, T2885M, T3022M, T2863M, T2889M, T2912M.
Identifiers: ClinVar variation 944133 (VCV000944133.7), dbSNP rs1258752223, ClinGen allele CA372515609.